The following is an entry in ClinVar:

ClinVar aggregate classification (germline): Uncertain significance (1 of 4 stars; one submission).

Conditions:
Cohen syndrome (COH1). Also called: Cutis verticis gyrata, retinitis pigmentosa, and sensorineural deafness; PEPPER SYNDROME. Identifiers: Orphanet 193, MedGen C0265223, MONDO:0008999, OMIM 216550.

Submission:

Labcorp Genetics (formerly Invitae), Labcorp
Classification: Uncertain significance for Cohen syndrome. Last evaluated: 2021-05-21. Review status: criteria provided, single submitter. Criteria: Invitae Variant Classification Sherloc (09022015). Collection method: clinical testing. Allele origin: germline.
Comment: Algorithms developed to predict the effect of missense changes on protein structure and function output the following: SIFT: "Not Available"; PolyPhen-2: "Possibly Damaging"; Align-GVGD: "Not Available". The glycine amino acid residue is found in multiple mammalian species, suggesting that this missense change does not adversely affect protein function. These predictions have not been confirmed by published functional studies and their clinical significance is uncertain. This variant has not been reported in the literature in individuals with VPS13B-related conditions. This variant is not present in population databases (ExAC no frequency). This sequence change replaces serine with glycine at codon 717 of the VPS13B protein (p.Ser717Gly). The serine residue is weakly conserved and there is a small physicochemical difference between serine and glycine. In summary, the available evidence is currently insufficient to determine the role of this variant in disease. Therefore, it has been classified as a Variant of Uncertain Significance.

NM_152564.5(VPS13B):c.2149A>G (p.Ser717Gly)

Gene: VPS13B (vacuolar protein sorting 13 homolog B; plus strand). Cytogenetic location: 8q22.2.
Variant type: single nucleotide variant.
Coding change: c.2149A>G on transcript NM_152564.5 (MANE Select); coding-DNA position 2149, A replaced by G.
Protein change: p.Ser717Gly; replaces serine 717 with glycine.
Molecular consequence: missense variant.
Genome position (GRCh38, 1-based): chr8:99,156,684, A>G. VCF-style: chr8-99156684-A-G. GRCh37 (hg19) VCF-style: chr8-100168912-A-G.
Other names: c.2149A>G, p.Ser717Gly (NM_015243.3, NM_017890.5); short protein forms S717G.
Identifiers: ClinVar variation 1497589 (VCV001497589.6), dbSNP rs2132624568, ClinGen allele CA371865136.